The following is an entry in ClinVar:

ClinVar aggregate classification (germline): Uncertain significance. Review status: criteria provided, multiple submitters, no conflicts (2 of 4 stars). 2 submissions from 2 submitters: Uncertain significance (2). Last evaluated 2020-02-20.

Conditions:
Hypertrophic cardiomyopathy. Also called: HYPERTROPHIC MYOCARDIOPATHY. Identifiers: Orphanet 217569, MedGen C0007194, MeSH D002312, MONDO:0005045, HP:0001639.

Submissions (2):

GeneDx
Classification: Uncertain significance. Last evaluated: 2020-02-20. Review status: criteria provided, single submitter. Criteria: GeneDx Variant Classification Process June 2021. Collection method: clinical testing. Allele origin: germline. Affected: yes.
Comment: Not observed in large population cohorts (Lek et al., 2016); Has not been previously published as pathogenic or benign to our knowledge

Labcorp Genetics (formerly Invitae), Labcorp
Classification: Uncertain significance for Hypertrophic cardiomyopathy. Last evaluated: 2018-08-01. Review status: criteria provided, single submitter. Criteria: Invitae Variant Classification Sherloc (09022015). Collection method: clinical testing. Allele origin: germline.
Comment: This sequence change falls in intron 10 of the MYH7 gene. It does not directly change the encoded amino acid sequence of the MYH7 protein, but it affects a nucleotide within the consensus splice site of the intron. This variant is not present in population databases (ExAC no frequency). This variant has not been reported in the literature in individuals with MYH7-related disease. Nucleotide substitutions within the consensus splice site are a relatively common cause of aberrant splicing (PMID: 17576681, 9536098). Algorithms developed to predict the effect of sequence changes on RNA splicing suggest that this variant may disrupt the consensus splice site, but this prediction has not been confirmed by published transcriptional studies. In summary, the available evidence is currently insufficient to determine the role of this variant in disease. Therefore, it has been classified as a Variant of Uncertain Significance.

Literature cited by the submitters: PubMed 17576681 (cited by Labcorp Genetics (formerly Invitae), Labcorp); PubMed 9536098 (cited by Labcorp Genetics (formerly Invitae), Labcorp).

NM_000257.4(MYH7):c.896-3T>G

Gene: MYH7 (myosin heavy chain 7; minus strand). Cytogenetic location: 14q11.2.
Variant type: single nucleotide variant.
Coding change: c.896-3T>G on transcript NM_000257.4 (MANE Select); 3 bases into the intron before coding-DNA position 896, T replaced by G.
Molecular consequence: intron variant.
Genome position (GRCh38, 1-based): chr14:23,430,666, A>C on the plus strand (T>G on the coding strand, the complement: MYH7 is on the minus strand). VCF-style: chr14-23430666-A-C. GRCh37 (hg19) VCF-style: chr14-23899875-A-C.
Identifiers: ClinVar variation 650426 (VCV000650426.10), dbSNP rs752594622, ClinGen allele CA915948849.